The following is an entry in ClinVar:

ClinVar aggregate classification (germline): Uncertain significance (1 of 4 stars; one submission).

Conditions:
Charcot-Marie-Tooth disease dominant intermediate C (CMTDIC). Also called: CHARCOT-MARIE-TOOTH NEUROPATHY, DOMINANT INTERMEDIATE C. Identifiers: Orphanet 100045, MedGen C1842237, MONDO:0012012, OMIM 608323.

Allele frequency attached by ClinVar (database versions not stated): TOPMed 0.00001.
gnomAD v4.1: 2 of 1,614,122 alleles (0.00012%); highest among the groups gnomAD compares: African/African-American, 0.0027%; no homozygotes.

Submission:

Labcorp Genetics (formerly Invitae), Labcorp
Classification: Uncertain significance for Charcot-Marie-Tooth disease dominant intermediate C. Last evaluated: 2018-12-10. Review status: criteria provided, single submitter. Criteria: Invitae Variant Classification Sherloc (09022015). Collection method: clinical testing. Allele origin: germline.
Comment: This variant has not been reported in the literature in individuals with YARS-related conditions. This sequence change replaces threonine with arginine at codon 70 of the YARS protein (p.Thr70Arg). The threonine residue is highly conserved and there is a moderate physicochemical difference between threonine and arginine. This variant is not present in population databases (ExAC no frequency). Algorithms developed to predict the effect of missense changes on protein structure and function are either unavailable or do not agree on the potential impact of this missense change (SIFT: "Not Available"; PolyPhen-2: "Probably Damaging"; Align-GVGD: "Not Available"). Algorithms developed to predict the effect of sequence changes on RNA splicing suggest that this variant may create or strengthen a splice site, but this prediction has not been confirmed by published transcriptional studies. In summary, the available evidence is currently insufficient to determine the role of this variant in disease. Therefore, it has been classified as a Variant of Uncertain Significance.

NM_003680.4(YARS1):c.209C>G (p.Thr70Arg)

Gene: YARS1 (tyrosyl-tRNA synthetase 1; minus strand). Cytogenetic location: 1p35.1.
Variant type: single nucleotide variant.
Coding change: c.209C>G on transcript NM_003680.4 (MANE Select); coding-DNA position 209, C replaced by G.
Protein change: p.Thr70Arg; replaces threonine 70 with arginine.
Molecular consequence: missense variant.
Genome position (GRCh38, 1-based): chr1:32,810,762, G>C on the plus strand (C>G on the coding strand, the complement: YARS1 is on the minus strand). VCF-style: chr1-32810762-G-C. GRCh37 (hg19) VCF-style: chr1-33276363-G-C.
Other names: short protein forms T70R.
Identifiers: ClinVar variation 654030 (VCV000654030.7), dbSNP rs771657997, ClinGen allele CA339687372.